The following is an entry in ClinVar:

NM_001844.5(COL2A1):c.2858del (p.Pro953fs)

Gene: COL2A1 (collagen type II alpha 1 chain; minus strand). Cytogenetic location: 12q13.11.
Variant type: Deletion.
Coding change: c.2858del on transcript NM_001844.5 (MANE Select); coding-DNA position 2858, one base deleted (C; older notation c.2858delC).
Protein change: p.Pro953fs; shifts the reading frame from proline 953.
Molecular consequence: frameshift variant.
Genome position (GRCh38, 1-based): chr12:47,978,634, G deleted on the plus strand (C on the coding strand, the reverse complement: COL2A1 is on the minus strand); the first of 5 consecutive G bases (chr12:47,978,634-47,978,638); deleting any one gives the same sequence. VCF-style (leftmost placement, unchanged base first): chr12-47978633-AG-A. GRCh37 (hg19) VCF-style: chr12-48372416-AG-A.
Other names: c.2651del, p.Pro884fs (NM_033150.3); c.2858del (NM_001844.4); short protein forms P884fs, P953fs.
Identifiers: ClinVar variation 1455692 (VCV001455692.10), dbSNP rs2136527926, ClinGen allele CA2573148639.

ClinVar aggregate classification (germline): Pathogenic. Review status: criteria provided, multiple submitters, no conflicts (2 of 4 stars). 3 submissions from 3 submitters: Pathogenic (3). Last evaluated 2024-10-24.

Conditions:
Legg-Calve-Perthes disease. Also called: PERTHES DISEASE; Osteochondritis deformans; Coxa plana; Avascular necrosis of the capital femoral epiphysis. Identifiers: Orphanet 2380, MedGen C1442965, MONDO:0007885, OMIM 150600, HP:0005743.
Multiple epiphyseal dysplasia, Beighton type. Identifiers: Orphanet 166011, MedGen C1851536, MONDO:0007562, OMIM 132450.
Spondyloepiphyseal dysplasia with metatarsal shortening. Also called: CZECH DYSPLASIA, METATARSAL TYPE; SPONDYLOEPIPHYSEAL DYSPLASIA WITH PRECOCIOUS OSTEOARTHRITIS; Pseudorheumatoid dysplasia progressive, with hypoplastic toes. Identifiers: Orphanet 137678, MedGen C1836683, MONDO:0012206, OMIM 609162.
Namaqualand hip dysplasia (OSCDP). Also called: Mild spondyloepiphyseal dysplasia due to COL2A1 mutation with early-onset osteoarthritis. Identifiers: Orphanet 93279, MedGen C0432214, MONDO:0011496, OMIM 604864.
Vitreoretinopathy with phalangeal epiphyseal dysplasia (VPED). Identifiers: MedGen C1852989, MONDO:0031001, OMIM 619248.
Kniest dysplasia. Identifiers: Orphanet 485, MedGen C0265279, MONDO:0007987, OMIM 156550.
Stickler syndrome, type I, nonsyndromic ocular. Also called: STICKLER SYNDROME, TYPE I, PREDOMINANTLY OCULAR; STICKLER SYNDROME, ATYPICAL. Identifiers: MedGen C1836080, MONDO:0012287, OMIM 609508.
Achondrogenesis type II (ACG2). Also called: CHONDROGENESIS IMPERFECTA; ACHONDROGENESIS, LANGER-SALDINO TYPE. Identifiers: Orphanet 932, Orphanet 93296, MedGen C0220685, MONDO:0008702, OMIM 200610.
Avascular necrosis of femoral head, primary, 1 (ANFH1). Also called: Avascular necrosis of femoral head, primary. Identifiers: Orphanet 86820, MedGen C4551562, MONDO:0054550, OMIM 608805.
Spondyloepiphyseal dysplasia, Stanescu type. Also called: SED, STANESCU TYPE; SPONDYLOEPIMETAPHYSEAL DYSPLASIA, STANESCU TYPE. Identifiers: Orphanet 459051, MedGen C4225273, MONDO:0014701, OMIM 616583.
Stickler syndrome type 1 (STL1). Also called: ARTHROOPHTHALMOPATHY, HEREDITARY PROGRESSIVE; STICKLER SYNDROME, MEMBRANOUS VITREOUS TYPE; STICKLER SYNDROME, VITREOUS TYPE 1; COL2A1-Related Stickler Syndrome. Identifiers: Orphanet 828, Orphanet 90653, MedGen C2020284, MONDO:0007160, OMIM 108300.
Spondyloepimetaphyseal dysplasia, Strudwick type (SEMDSTWK). Also called: DAPPLED METAPHYSIS SYNDROME; STRUDWICK SYNDROME. Identifiers: Orphanet 93346, MedGen C0700635, MONDO:0008476, OMIM 184250.
Spondyloperipheral dysplasia. Also called: SPONDYLOPERIPHERAL DYSPLASIA WITH SHORT ULNA; Spondyloperipheral dysplasia-short ulna syndrome. Identifiers: Orphanet 1856, MedGen C0796173, MONDO:0010078, OMIM 271700.
Platyspondylic dysplasia, Torrance type (PLSDT). Identifiers: Orphanet 85166, MedGen C1835437, MONDO:0007895, OMIM 151210.
Spondyloepiphyseal dysplasia congenita (SEDC). Also called: SED CONGENITA; SPONDYLOEPIPHYSEAL DYSPLASIA, CONGENITAL TYPE. Identifiers: Orphanet 94068, MedGen C2745959, MONDO:0008471, OMIM 183900.
Spondylometaphyseal dysplasia - Sutcliffe type. Also called: Spondylometaphyseal Dysplasia, Corner Fracture Type; Sutcliffe type of spondylometaphyseal dysplasia; Sutcliffe SMD; Spondylometaphyseal dysplasia, 'corner fracture' type. Identifiers: Orphanet 93315, MedGen C0432221, MONDO:0008479, OMIM 184255.

Submissions (3):

Labcorp Genetics (formerly Invitae), Labcorp
Classification: Pathogenic. Last evaluated: 2024-10-24. Review status: criteria provided, single submitter. Criteria: Invitae Variant Classification Sherloc (09022015). Collection method: clinical testing. Allele origin: germline.
Comment: This sequence change creates a premature translational stop signal (p.Pro953Leufs*75) in the COL2A1 gene. It is expected to result in an absent or disrupted protein product. Loss-of-function variants in COL2A1 are known to be pathogenic (PMID: 20179744). This variant is not present in population databases (gnomAD no frequency). This premature translational stop signal has been observed in individual(s) with Stickler syndrome, type I (PMID: 26626311). ClinVar contains an entry for this variant (Variation ID: 1455692). For these reasons, this variant has been classified as Pathogenic.

GeneDx
Classification: Pathogenic. Last evaluated: 2024-09-24. Review status: criteria provided, single submitter. Criteria: GeneDx Variant Classification Process June 2021. Collection method: clinical testing. Allele origin: germline. Affected: yes.
Comment: Identified in a patient with Stickler syndrome in the published literature (PMID: 26626311); Frameshift variant predicted to result in protein truncation or nonsense mediated decay in a gene for which loss of function is a known mechanism of disease; Not observed at significant frequency in large population cohorts (gnomAD); This variant is associated with the following publications: (PMID: 26626311)

Fulgent Genetics
Classification: Pathogenic for Stickler syndrome type 1; Multiple epiphyseal dysplasia, Beighton type; Legg-Calve-Perthes disease; Platyspondylic dysplasia, Torrance type; Kniest dysplasia; Spondyloepiphyseal dysplasia congenita; Spondyloepimetaphyseal dysplasia, Strudwick type; Spondylometaphyseal dysplasia - Sutcliffe type; Achondrogenesis type II; Spondyloperipheral dysplasia; Namaqualand hip dysplasia; Avascular necrosis of femoral head, primary, 1; Spondyloepiphyseal dysplasia with metatarsal shortening; Stickler syndrome, type I, nonsyndromic ocular; Spondyloepiphyseal dysplasia, Stanescu type; Vitreoretinopathy with phalangeal epiphyseal dysplasia. Last evaluated: 2022-01-04. Review status: criteria provided, single submitter. Criteria: ACMG Guidelines, 2015. Collection method: clinical testing. Allele origin: unknown.

Literature cited by the submitters: PubMed 20179744 (cited by Labcorp Genetics (formerly Invitae), Labcorp); PubMed 26626311 (cited by Labcorp Genetics (formerly Invitae), Labcorp).